The following is an entry in ClinVar:

NM_001384140.1(PCDH15):c.3448A>G (p.Ile1150Val)

Gene: PCDH15 (protocadherin related 15; minus strand). Cytogenetic location: 10q21.1.
Variant type: single nucleotide variant.
Coding change: c.3448A>G on transcript NM_001384140.1 (MANE Select); coding-DNA position 3448, A replaced by G.
Protein change: p.Ile1150Val; replaces isoleucine 1150 with valine.
Molecular consequence: missense variant.
Genome position (GRCh38, 1-based): chr10:53,903,296, T>C on the plus strand (A>G on the coding strand, the complement: PCDH15 is on the minus strand). VCF-style: chr10-53903296-T-C. GRCh37 (hg19) VCF-style: chr10-55663056-T-C.
Other names: c.3463A>G, p.Ile1155Val (NM_001142763.2, NM_001142771.2); c.3448A>G, p.Ile1150Val (NM_001142764.2, NM_001142766.2, NM_001142770.3 and 4 more transcripts); c.3235A>G, p.Ile1079Val (NM_001142765.2); c.3337A>G, p.Ile1113Val (NM_001142767.2); c.3382A>G, p.Ile1128Val (NM_001142768.2, NM_001142773.2, NM_001354404.2); c.3484A>G, p.Ile1162Val (NM_001142769.4); c.3469A>G, p.Ile1157Val (NM_001354411.2); short protein forms I1079V, I1128V, I1113V, I1157V, I1150V, I1155V, I1162V.
Identifiers: ClinVar variation 1448381 (VCV001448381.5), dbSNP rs1392434535, ClinGen allele CA376525559.

ClinVar aggregate classification (germline): Uncertain significance (1 of 4 stars; one submission).

Allele frequency attached by ClinVar (database versions not stated): gnomAD exomes 0.00001; TOPMed 0.00002; gnomAD 0.00003.
gnomAD v4.1: 16 of 1,613,114 alleles (0.00099%); highest among the groups gnomAD compares: African/African-American, 0.0067%; no homozygotes.

Submission:

Labcorp Genetics (formerly Invitae), Labcorp
Classification: Uncertain significance. Last evaluated: 2024-10-15. Review status: criteria provided, single submitter. Criteria: Invitae Variant Classification Sherloc (09022015). Collection method: clinical testing. Allele origin: germline.
Comment: This sequence change replaces isoleucine, which is neutral and non-polar, with valine, which is neutral and non-polar, at codon 1150 of the PCDH15 protein (p.Ile1150Val). This variant is not present in population databases (gnomAD no frequency). This missense change has been observed in individual(s) with inherited retinal disease (PMID: 35836572). ClinVar contains an entry for this variant (Variation ID: 1448381). Invitae Evidence Modeling of protein sequence and biophysical properties (such as structural, functional, and spatial information, amino acid conservation, physicochemical variation, residue mobility, and thermodynamic stability) indicates that this missense variant is not expected to disrupt PCDH15 protein function with a negative predictive value of 95%. In summary, the available evidence is currently insufficient to determine the role of this variant in disease. Therefore, it has been classified as a Variant of Uncertain Significance.

Literature cited by the submitters: PubMed 35836572.